The following is an entry in ClinVar:

NM_003292.3(TPR):c.1399C>A (p.Arg467=)

Gene: TPR (translocated promoter region, nuclear basket protein; minus strand). Cytogenetic location: 1q31.1.
Variant type: single nucleotide variant.
Coding change: c.1399C>A on transcript NM_003292.3 (MANE Select); coding-DNA position 1399, C replaced by A.
Protein change: p.Arg467=; no amino-acid change (arginine 467 retained).
Molecular consequence: synonymous variant.
Genome position (GRCh38, 1-based): chr1:186,358,641, G>T on the plus strand (C>A on the coding strand, the complement: TPR is on the minus strand). VCF-style: chr1-186358641-G-T. GRCh37 (hg19) VCF-style: chr1-186327773-G-T.
Identifiers: ClinVar variation 770683 (VCV000770683.25), dbSNP rs114751429, ClinGen allele CA1298296.

ClinVar aggregate classification (germline): Benign/Likely benign. Review status: criteria provided, multiple submitters, no conflicts (2 of 4 stars). 2 submissions from 2 submitters: Benign (1); Likely benign (1). Last evaluated 2025-03-01.

Allele frequency attached by ClinVar (database versions not stated): 1000 Genomes Project 0.00220; 1000 Genomes Project 30x 0.00234; ExAC 0.00459; TOPMed 0.00496; ESP Exome Variant Server 0.00515; gnomAD 0.00536 and 0.00552.
gnomAD v4.1: 12,036 of 1,610,174 alleles (0.75%); highest among the groups gnomAD compares: Non-Finnish European, 0.93%; 65 homozygotes.

Submissions (2):

CeGaT Center for Human Genetics Tuebingen
Classification: Likely benign. Last evaluated: 2025-03-01. Review status: criteria provided, single submitter. Criteria: CeGaT Center For Human Genetics Tuebingen Variant Classification Criteria Version 2. Collection method: clinical testing. Allele origin: germline. Affected: yes. Observed: 2 variant alleles.
Comment: TPR: BP4, BS2

Labcorp Genetics (formerly Invitae), Labcorp
Classification: Benign. Last evaluated: 2018-06-08. Review status: criteria provided, single submitter. Criteria: Invitae Variant Classification Sherloc (09022015). Collection method: clinical testing. Allele origin: germline.